The following is an entry in ClinVar:

NM_000211.5(ITGB2):c.2024C>T (p.Thr675Met)

Gene: ITGB2 (integrin subunit beta 2; minus strand). Cytogenetic location: 21q22.3.
Variant type: single nucleotide variant.
Coding change: c.2024C>T on transcript NM_000211.5 (MANE Select); coding-DNA position 2024, C replaced by T.
Protein change: p.Thr675Met; replaces threonine 675 with methionine.
Molecular consequence: missense variant.
Genome position (GRCh38, 1-based): chr21:44,888,749, G>A on the plus strand (C>T on the coding strand, the complement: ITGB2 is on the minus strand). VCF-style: chr21-44888749-G-A. GRCh37 (hg19) VCF-style: chr21-46308664-G-A.
Other names: c.2024C>T (NM_000211.3); c.2024C>T, p.Thr675Met (NM_001127491.3); c.1817C>T, p.Thr606Met (NM_001303238.2); short protein forms T675M, T606M.
Identifiers: ClinVar variation 661109 (VCV000661109.8), dbSNP rs778278328, ClinGen allele CA10062605.

ClinVar aggregate classification (germline): Conflicting classifications of pathogenicity. Review status: criteria provided, conflicting classifications (1 of 4 stars). 2 submissions from 2 submitters: Uncertain significance (1); Likely benign (1). Last evaluated 2025-03-21.

Conditions:
Inborn genetic diseases. Identifiers: MedGen C0950123, MeSH D030342.
Leukocyte adhesion deficiency 1 (LAD1). Also called: LAD 1; Lymphocyte function-associated antigen 1 immunodeficiency; LEUKOCYTE ADHESION DEFICIENCY, TYPE I; LFA 1 immunodeficiency. Identifiers: Orphanet 2968, Orphanet 99842, MedGen C0398738, MONDO:0007293, OMIM 116920.

Allele frequency attached by ClinVar (database versions not stated): gnomAD 0.00001; ExAC 0.00002; gnomAD exomes 0.00002 and 0.00003; TOPMed 0.00002.
gnomAD v4.1: 41 of 1,611,530 alleles (0.0025%); highest among the groups gnomAD compares: South Asian, 0.0044%; no homozygotes.

Submissions (2):

Ambry Genetics
Classification: Likely benign for Inborn genetic diseases. Last evaluated: 2025-03-21. Review status: criteria provided, single submitter. Criteria: Ambry Variant Classification Scheme 2023. Collection method: clinical testing. Allele origin: germline.

Labcorp Genetics (formerly Invitae), Labcorp
Classification: Uncertain significance for Leukocyte adhesion deficiency 1. Last evaluated: 2022-10-25. Review status: criteria provided, single submitter. Criteria: Invitae Variant Classification Sherloc (09022015). Collection method: clinical testing. Allele origin: germline.
Comment: In summary, the available evidence is currently insufficient to determine the role of this variant in disease. Therefore, it has been classified as a Variant of Uncertain Significance. Algorithms developed to predict the effect of missense changes on protein structure and function output the following: SIFT: "Tolerated"; PolyPhen-2: "Benign"; Align-GVGD: "Class C0". The methionine amino acid residue is found in multiple mammalian species, which suggests that this missense change does not adversely affect protein function. ClinVar contains an entry for this variant (Variation ID: 661109). This variant has not been reported in the literature in individuals affected with ITGB2-related conditions. This variant is present in population databases (rs778278328, gnomAD 0.004%). This sequence change replaces threonine, which is neutral and polar, with methionine, which is neutral and non-polar, at codon 675 of the ITGB2 protein (p.Thr675Met).